The following is an entry in ClinVar:

NM_000929.3(PLA2G5):c.188G>A (p.Cys63Tyr)

Gene: PLA2G5 (phospholipase A2 group V; plus strand). Cytogenetic location: 1p36.13.
Variant type: single nucleotide variant.
Coding change: c.188G>A on transcript NM_000929.3 (MANE Select); coding-DNA position 188, G replaced by A.
Protein change: p.Cys63Tyr; replaces cysteine 63 with tyrosine.
Molecular consequence: missense variant.
Genome position (GRCh38, 1-based): chr1:20,089,791, G>A. VCF-style: chr1-20089791-G-A. GRCh37 (hg19) VCF-style: chr1-20416284-G-A.
Other names: short protein forms C63Y.
Identifiers: ClinVar variation 2079267 (VCV002079267.4), dbSNP rs2523579463, ClinGen allele CA338821486.

ClinVar aggregate classification (germline): Uncertain significance (1 of 4 stars; one submission).

Allele frequency attached by ClinVar (database versions not stated): gnomAD exomes below 0.00001.
gnomAD v4.1: 1 of 1,613,612 alleles (0.000062%); highest among the groups gnomAD compares: Non-Finnish European, 0.000085%; no homozygotes.

Submission:

Labcorp Genetics (formerly Invitae), Labcorp
Classification: Uncertain significance. Last evaluated: 2022-01-11. Review status: criteria provided, single submitter. Criteria: Invitae Variant Classification Sherloc (09022015). Collection method: clinical testing. Allele origin: germline.
Comment: In summary, the available evidence is currently insufficient to determine the role of this variant in disease. Therefore, it has been classified as a Variant of Uncertain Significance. Algorithms developed to predict the effect of missense changes on protein structure and function (SIFT, PolyPhen-2, Align-GVGD) all suggest that this variant is likely to be disruptive. This variant has not been reported in the literature in individuals affected with PLA2G5-related conditions. This variant is not present in population databases (gnomAD no frequency). This sequence change replaces cysteine, which is neutral and slightly polar, with tyrosine, which is neutral and polar, at codon 63 of the PLA2G5 protein (p.Cys63Tyr).